The following is an entry in ClinVar:

ClinVar aggregate classification (germline): Conflicting classifications of pathogenicity. Review status: criteria provided, conflicting classifications (1 of 4 stars). 2 submissions from 2 submitters: Uncertain significance (1); Likely benign (1). Last evaluated 2025-07-14.

Conditions:
Familial thoracic aortic aneurysm and aortic dissection (TAAD). Also called: Thoracic aortic aneurysms and dissections. Identifiers: Orphanet 91387, MedGen C4707243, MONDO:0019625.
Congenital contractural arachnodactyly (CCA). Also called: BEALS SYNDROME; Arthrogryposis, distal, type 9; Beals-Hecht syndrome. Identifiers: Orphanet 115, MedGen C0220668, MONDO:0007363, OMIM 121050.

Allele frequency attached by ClinVar (database versions not stated): gnomAD 0.00001; gnomAD exomes 0.00001 and 0.00005; TOPMed 0.00002; ExAC 0.00005.
gnomAD v4.1: 19 of 1,614,030 alleles (0.0012%); highest among the groups gnomAD compares: East Asian, 0.036%; no homozygotes.

Submissions (2):

Labcorp Genetics (formerly Invitae), Labcorp
Classification: Likely benign for Congenital contractural arachnodactyly. Last evaluated: 2025-07-14. Review status: criteria provided, single submitter. Criteria: Invitae Variant Classification Sherloc (09022015). Collection method: clinical testing. Allele origin: germline.

Ambry Genetics
Classification: Uncertain significance for Familial thoracic aortic aneurysm and aortic dissection. Last evaluated: 2024-07-16. Review status: criteria provided, single submitter. Criteria: Ambry Variant Classification Scheme 2023. Collection method: clinical testing. Allele origin: germline.
Comment: The p.M2320I variant (also known as c.6960G>A), located in coding exon 55 of the FBN2 gene, results from a G to A substitution at nucleotide position 6960. The methionine at codon 2320 is replaced by isoleucine, an amino acid with highly similar properties. This amino acid position is highly conserved in available vertebrate species. In addition, the in silico prediction for this alteration is inconclusive. Based on the available evidence, the clinical significance of this variant remains unclear.

NM_001999.4(FBN2):c.6960G>A (p.Met2320Ile)

Gene: FBN2 (fibrillin 2; minus strand). Cytogenetic location: 5q23.3.
Variant type: single nucleotide variant.
Coding change: c.6960G>A on transcript NM_001999.4 (MANE Select); coding-DNA position 6960, G replaced by A.
Protein change: p.Met2320Ile; replaces methionine 2320 with isoleucine.
Molecular consequence: missense variant.
Genome position (GRCh38, 1-based): chr5:128,286,770, C>T on the plus strand (G>A on the coding strand, the complement: FBN2 is on the minus strand). VCF-style: chr5-128286770-C-T. GRCh37 (hg19) VCF-style: chr5-127622462-C-T.
Other names: short protein forms M2320I.
Identifiers: ClinVar variation 581996 (VCV000581996.10), dbSNP rs780214155, ClinGen allele CA3394260.